The following is an entry in ClinVar:

ClinVar aggregate classification (germline): Uncertain significance (1 of 4 stars; one submission).

Allele frequency attached by ClinVar (database versions not stated): gnomAD exomes below 0.00001.
gnomAD v4.1: 1 of 1,614,226 alleles (0.000062%); highest among the groups gnomAD compares: Non-Finnish European, 0.000085%; no homozygotes.

Submission:

Labcorp Genetics (formerly Invitae), Labcorp
Classification: Uncertain significance. Last evaluated: 2026-01-05. Review status: criteria provided, single submitter. Criteria: Invitae Variant Classification Sherloc (09022015). Collection method: clinical testing. Allele origin: germline.
Comment: This sequence change replaces serine, which is neutral and polar, with asparagine, which is neutral and polar, at codon 2033 of the LAMA1 protein (p.Ser2033Asn). This variant is not present in population databases (gnomAD no frequency). This variant has not been reported in the literature in individuals affected with LAMA1-related conditions. ClinVar contains an entry for this variant (Variation ID: 1483351). Invitae Evidence Modeling of protein sequence and biophysical properties (such as structural, functional, and spatial information, amino acid conservation, physicochemical variation, residue mobility, and thermodynamic stability) indicates that this missense variant is not expected to disrupt LAMA1 protein function with a negative predictive value of 80%. In summary, the available evidence is currently insufficient to determine the role of this variant in disease. Therefore, it has been classified as a Variant of Uncertain Significance.

NM_005559.4(LAMA1):c.6098G>A (p.Ser2033Asn)

Gene: LAMA1 (laminin subunit alpha 1; minus strand). Cytogenetic location: 18p11.31.
Variant type: single nucleotide variant.
Coding change: c.6098G>A on transcript NM_005559.4 (MANE Select); coding-DNA position 6098, G replaced by A.
Protein change: p.Ser2033Asn; replaces serine 2033 with asparagine.
Molecular consequence: missense variant.
Genome position (GRCh38, 1-based): chr18:6,978,288, C>T on the plus strand (G>A on the coding strand, the complement: LAMA1 is on the minus strand). VCF-style: chr18-6978288-C-T. GRCh37 (hg19) VCF-style: chr18-6978287-C-T.
Other names: short protein forms S2033N.
Identifiers: ClinVar variation 1483351 (VCV001483351.6), dbSNP rs2144041756, ClinGen allele CA401831971.
Genomic context (GRCh38, chr18:6,978,288, plus strand): 5'-GTCTCTCGTAATGTGGTGTTGACCCTGGACAGGCTGGCAGATGTGTTCAGCAGCTCCTGG[C>T]TCAGCCCCGCCACGTCCCTCAGCGTGCTCACCGCGCTCTGGCTTGCAGACGTGGCCAGCT-3'
Protein context (NP_005550.2, residues 2023-2043): VSTLRDVAGL[Ser2033Asn]QELLNTSASL